The following is an entry in ClinVar:

ClinVar aggregate classification (germline): Likely pathogenic (1 of 4 stars; one submission).

Conditions:
Hereditary factor VIII deficiency disease (HEMA). Also called: AUTOSOMAL HEMOPHILIA A; Hemophilia A; HEMOPHILIA, CLASSIC; Hemophilia A, congenital; HEM A; Factor 8 deficiency, congenital. Identifiers: Orphanet 98878, MedGen C0019069, MONDO:0010602, OMIM 306700.

Allele frequency attached by ClinVar (database versions not stated): TOPMed 0.00002.

Submission:

ARUP Laboratories, Molecular Genetics and Genomics, ARUP Laboratories
Classification: Likely pathogenic for Hereditary factor VIII deficiency disease. Last evaluated: 2018-07-12. Review status: criteria provided, single submitter. Criteria: ARUP Molecular Germline Variant Investigation Process. Collection method: clinical testing. Allele origin: germline.
Comment: The F8 c.601G>A; p.Gly201Arg variant, also known as p.Gly182Arg, is reported in the literature in at least one individual affected with mild hemophilia A (Chen 2010). In addition, another nucleotide substitution that introduces the same missense change (c.601G>C, p.Gly201Arg) was reported in at least one individual with moderate hemophilia A (Green 2008). Other variants at this codon (c.601G>T, p.Gly201Trp; c.602G>A, p.Gly201Glu) have been reported in individuals with severe hemophilia A (Djambas Khayat 2008, Hallden 2012). The c.601G>A; p.Gly201Arg variant is not reported in ClinVar, and is also absent from general population databases (1000 Genomes Project, Exome Variant Server, and Genome Aggregation Database), indicating it is not a common polymorphism. The glycine at codon 201 is highly conserved, and computational analyses (SIFT, PolyPhen-2) predict that this variant is deleterious. This variant occurs in the last nucleotide of exon 4, and splicing algorithms (Alamut v.2.11) predict that this variant may impact splicing by weakening the nearby canonical donor splice site. Based on available information, this variant is considered to be likely pathogenic. References: Chen YC et al. Genetic analysis of haemophilia A in Taiwan. Haemophilia. 2010 May;16(3):538-44. Djambas Khayat C et al. Molecular analysis of F8 in Lebanese haemophilia A patients: novel mutations and phenotype-genotype correlation. Haemophilia. 2008 Jul;14(4):709-16 Green PM et al. Haemophilia A mutations in the UK: results of screening one-third of the population. Br J Haematol. 2008 Oct;143(1):115-28. Hallden C et al. Origin of Swedish hemophilia A mutations. J Thromb Haemost. 2012 Dec;10(12):2503-11.

NM_000132.4(F8):c.601G>A (p.Gly201Arg)

Gene: F8 (coagulation factor VIII; minus strand). Cytogenetic location: Xq28.
Variant type: single nucleotide variant.
Coding change: c.601G>A on transcript NM_000132.4 (MANE Select); coding-DNA position 601, G replaced by A.
Protein change: p.Gly201Arg; replaces glycine 201 with arginine.
Molecular consequence: missense variant.
Genome position (GRCh38, 1-based): chrX:154,992,936, C>T on the plus strand (G>A on the coding strand, the complement: F8 is on the minus strand). VCF-style: chrX-154992936-C-T. GRCh37 (hg19) VCF-style: chrX-154221211-C-T.
Other names: short protein forms G201R.
Identifiers: ClinVar variation 811081 (VCV000811081.8), dbSNP rs1229954426, ClinGen allele CA414919364.